The following is an entry in ClinVar:

ClinVar aggregate classification (germline): Likely benign. Review status: criteria provided, single submitter (1 of 4 stars). 2 submissions from 2 submitters: Likely benign (1). 1 of the submissions does not count toward it. Last evaluated 2025-10-21.

Conditions:
Autosomal recessive limb-girdle muscular dystrophy type 2W (MDRCMTT). Also called: Muscular dystrophy, limb-girdle, type 2W; Muscular dystrophy, autosomal recessive, with cardiomyopathy and triangular tongue. Identifiers: MedGen C4225192, MONDO:0014788, OMIM 616827.
LIMS2-related disorder. Also called: LIMS2-related condition.

Allele frequency attached by ClinVar (database versions not stated): gnomAD exomes 0.00004 and 0.00014; ExAC 0.00013; gnomAD 0.00031 and 0.00034; 1000 Genomes Project 0.00040; TOPMed 0.00045; 1000 Genomes Project 30x 0.00047; ESP Exome Variant Server 0.00069.
gnomAD v4.1: 106 of 1,613,872 alleles (0.0066%); highest among the groups gnomAD compares: African/African-American, 0.091%; no homozygotes.

Submissions (2):

Labcorp Genetics (formerly Invitae), Labcorp
Classification: Likely benign for Autosomal recessive limb-girdle muscular dystrophy type 2W. Last evaluated: 2025-10-21. Review status: criteria provided, single submitter. Criteria: Invitae Variant Classification Sherloc (09022015). Collection method: clinical testing. Allele origin: germline.

PreventionGenetics, part of Exact Sciences
Classification: Likely benign for LIMS2-related condition. Last evaluated: 2022-11-03. Review status: no assertion criteria provided. Collection method: clinical testing. Allele origin: germline. Not counted in ClinVar's aggregate classification.
Comment: This variant is classified as likely benign based on ACMG/AMP sequence variant interpretation guidelines (Richards et al. 2015 PMID: 25741868, with internal and published modifications).

NM_001161403.3(LIMS2):c.153C>T (p.Pro51=)

Gene: LIMS2 (LIM zinc finger domain containing 2; minus strand). Cytogenetic location: 2q14.3.
Variant type: single nucleotide variant.
Coding change: c.153C>T on transcript NM_001161403.3 (MANE Select); coding-DNA position 153, C replaced by T.
Protein change: p.Pro51=; no amino-acid change (proline 51 retained).
Molecular consequence: synonymous variant.
Genome position (GRCh38, 1-based): chr2:127,657,421, G>A on the plus strand (C>T on the coding strand, the complement: LIMS2 is on the minus strand). VCF-style: chr2-127657421-G-A. GRCh37 (hg19) VCF-style: chr2-128414995-G-A.
Other names: c.219C>T, p.Pro73= (NM_001136037.4); c.138C>T, p.Pro46= (NM_001161404.2); c.225C>T, p.Pro75= (NM_017980.5).
Identifiers: ClinVar variation 475545 (VCV000475545.13), dbSNP rs144872986, ClinGen allele CA1863556.
Genomic context (GRCh38, chr2:127,657,421, plus strand): 5'-ACTCCGAGCTGGGTCTGAGAAAGCCCTCAGTAGTGTCCTCACCTCATAGAAGAGCCCCTC[G>A]GGGAAGGGCCGGAAGCACTGGGCACACACGAAGCAGTGCTCATGGTACAGCTCCCCATTG-3'
Protein context (NP_001154875.1, residues 41-61): FVCAQCFRPF[Pro51=]EGLFYEFEGR